The following is an entry in ClinVar:

ClinVar aggregate classification (germline): Likely benign (1 of 4 stars; one submission).

Allele frequency attached by ClinVar (database versions not stated): ExAC 0.00003; TOPMed 0.00004; gnomAD 0.00005; gnomAD exomes 0.00005; ESP Exome Variant Server 0.00009.
gnomAD v4.1: 53 of 1,199,460 alleles (0.0044%); highest among the groups gnomAD compares: Non-Finnish European, 0.0057%; no homozygotes.

Submission:

CeGaT Center for Human Genetics Tuebingen
Classification: Likely benign. Last evaluated: 2022-12-01. Review status: criteria provided, single submitter. Criteria: CeGaT Center For Human Genetics Tuebingen Variant Classification Criteria Version 2. Collection method: clinical testing. Allele origin: germline. Affected: yes. Observed: 1 variant allele.
Comment: PABIR2: BP4, BS2

NM_001387468.1(PABIR2):c.436-6T>C

Gene: PABIR2 (PABIR family member 2; minus strand). Cytogenetic location: Xq26.3.
Variant type: single nucleotide variant.
Coding change: c.436-6T>C on transcript NM_001387468.1 (MANE Select); 6 bases into the intron before coding-DNA position 436, T replaced by C.
Molecular consequence: intron variant.
Genome position (GRCh38, 1-based): chrX:134,787,539, A>G on the plus strand (T>C on the coding strand, the complement: PABIR2 is on the minus strand). VCF-style: chrX-134787539-A-G. GRCh37 (hg19) VCF-style: chrX-133921569-A-G.
Other names: c.277-6T>C (NM_001170757.2); c.436-6T>C (NM_001166600.3, NM_001170756.1, NM_001331092.1); c.448-6T>C (NM_001387469.1, NM_001331089.1, NM_001331088.1); c.379-6T>C (NM_001331093.1, NM_001166599.3, NM_001331094.1 and 1 more transcripts); c.391-6T>C (NM_001331091.1, NM_001331090.1).
Identifiers: ClinVar variation 2661479 (VCV002661479.24), dbSNP rs374525679, ClinGen allele CA10521779.